The following is an entry in ClinVar:

NM_000038.6(APC):c.531+8A>T

Gene: APC (APC regulator of Wnt signaling pathway; plus strand). Cytogenetic location: 5q22.2.
Variant type: single nucleotide variant.
Coding change: c.531+8A>T on transcript NM_000038.6 (MANE Select); 8 bases into the intron after coding-DNA position 531, A replaced by T.
Molecular consequence: intron variant.
Genome position (GRCh38, 1-based): chr5:112,775,745, A>T. VCF-style: chr5-112775745-A-T. GRCh37 (hg19) VCF-style: chr5-112111442-A-T.
Other names: c.-505+8A>T (NM_001407470.1, NM_001407472.1, NM_001354906.2 and 1 more transcripts); c.531+8A>T (NM_001407447.1, NM_001354895.2, NM_001407456.1 and 16 more transcripts); c.561+8A>T (NM_001407446.1, NM_001354897.2, NM_001354902.2 and 1 more transcripts); c.354+8A>T (NM_001407453.1, NM_001354900.2, NM_001354901.2 and 1 more transcripts); c.456+8A>T (NM_001407451.1, NM_001354898.2, NM_001354904.2).
Identifiers: ClinVar variation 3148079 (VCV003148079.1), dbSNP rs2149616443, ClinGen allele CA2709972851.

ClinVar aggregate classification (germline): Likely benign (1 of 4 stars; one submission).

Conditions:
Familial adenomatous polyposis 1 (FAP1). Also called: POLYPOSIS, ADENOMATOUS INTESTINAL; FAMILIAL ADENOMATOUS POLYPOSIS 1, ATTENUATED. Identifiers: MedGen C2713442, MONDO:0021056, OMIM 175100. Disease mechanism: loss of function.

Submission:

Myriad Genetics, Inc.
Classification: Likely benign for Familial adenomatous polyposis 1. Last evaluated: 2024-02-23. Review status: criteria provided, single submitter. Criteria: Myriad Autosomal Dominant, Autosomal Recessive and X-Linked Classification Criteria (2023). Collection method: clinical testing. Allele origin: unknown.
Comment: This variant is considered likely benign. This variant is intronic and is not expected to impact mRNA splicing.